The following is an entry in ClinVar:

NM_000057.4(BLM):c.1345T>A (p.Ser449Thr)

Gene: BLM (BLM RecQ like helicase; plus strand). Cytogenetic location: 15q26.1.
Variant type: single nucleotide variant.
Coding change: c.1345T>A on transcript NM_000057.4 (MANE Select); coding-DNA position 1345, T replaced by A.
Protein change: p.Ser449Thr; replaces serine 449 with threonine.
Molecular consequence: missense variant.
Genome position (GRCh38, 1-based): chr15:90,760,718, T>A. VCF-style: chr15-90760718-T-A. GRCh37 (hg19) VCF-style: chr15-91303948-T-A.
Other names: c.1345T>A, p.Ser449Thr (NM_001287246.2, NM_001287247.2); c.220T>A, p.Ser74Thr (NM_001287248.2); short protein forms S74T, S449T.
Identifiers: ClinVar variation 961589 (VCV000961589.10), dbSNP rs1895952979, ClinGen allele CA393842858.

ClinVar aggregate classification (germline): Uncertain significance (1 of 4 stars; one submission).

Conditions:
Bloom syndrome (BLM). Also called: Bloom-Torre-Machacek syndrome. Identifiers: Orphanet 125, MedGen C0005859, MONDO:0008876, OMIM 210900.

Submission:

Labcorp Genetics (formerly Invitae), Labcorp
Classification: Uncertain significance for Bloom syndrome. Last evaluated: 2019-09-17. Review status: criteria provided, single submitter. Criteria: Invitae Variant Classification Sherloc (09022015). Collection method: clinical testing. Allele origin: germline.
Comment: In summary, the available evidence is currently insufficient to determine the role of this variant in disease. Therefore, it has been classified as a Variant of Uncertain Significance. Algorithms developed to predict the effect of missense changes on protein structure and function (SIFT, PolyPhen-2, Align-GVGD) all suggest that this variant is likely to be tolerated, but these predictions have not been confirmed by published functional studies and their clinical significance is uncertain. This variant has not been reported in the literature in individuals with BLM-related conditions. This variant is not present in population databases (ExAC no frequency). This sequence change replaces serine with threonine at codon 449 of the BLM protein (p.Ser449Thr). The serine residue is weakly conserved and there is a small physicochemical difference between serine and threonine.